The following is an entry in ClinVar:

NM_018052.5(VAC14):c.1657A>G (p.Ile553Val)

Gene: VAC14 (VAC14 component of PIKFYVE complex; minus strand). Cytogenetic location: 16q22.1.
Variant type: single nucleotide variant.
Coding change: c.1657A>G on transcript NM_018052.5 (MANE Select); coding-DNA position 1657, A replaced by G.
Protein change: p.Ile553Val; replaces isoleucine 553 with valine.
Molecular consequence: missense variant.
Genome position (GRCh38, 1-based): chr16:70,731,499, T>C on the plus strand (A>G on the coding strand, the complement: VAC14 is on the minus strand). VCF-style: chr16-70731499-T-C. GRCh37 (hg19) VCF-style: chr16-70765402-T-C.
Other names: c.955A>G, p.Ile319Val (NM_001351157.2); short protein forms I319V, I553V.
Identifiers: ClinVar variation 1993724 (VCV001993724.4), dbSNP rs2507543590, ClinGen allele CA396590149.

ClinVar aggregate classification (germline): Uncertain significance (1 of 4 stars; one submission).

Submission:

Labcorp Genetics (formerly Invitae), Labcorp
Classification: Uncertain significance. Last evaluated: 2025-02-24. Review status: criteria provided, single submitter. Criteria: Invitae Variant Classification Sherloc (09022015). Collection method: clinical testing. Allele origin: germline.
Comment: This sequence change replaces isoleucine, which is neutral and non-polar, with valine, which is neutral and non-polar, at codon 553 of the VAC14 protein (p.Ile553Val). This variant is not present in population databases (gnomAD no frequency). This variant has not been reported in the literature in individuals affected with VAC14-related conditions. ClinVar contains an entry for this variant (Variation ID: 1993724). Invitae Evidence Modeling of protein sequence and biophysical properties (such as structural, functional, and spatial information, amino acid conservation, physicochemical variation, residue mobility, and thermodynamic stability) indicates that this missense variant is not expected to disrupt VAC14 protein function with a negative predictive value of 80%. In summary, the available evidence is currently insufficient to determine the role of this variant in disease. Therefore, it has been classified as a Variant of Uncertain Significance.